The following is an entry in ClinVar:

ClinVar aggregate classification (germline): Conflicting classifications of pathogenicity. Review status: criteria provided, conflicting classifications (1 of 4 stars). 12 submissions from 11 submitters: Uncertain significance (4); Benign (1); Likely benign (4). 3 of the submissions do not count toward it. Last evaluated 2026-02-19.

Conditions:
Vitelliform macular dystrophy 3 (VMD3). Also called: PRPH2 vitelliform macular dystrophy; vitelliform macular dystrophy caused by mutation in PRPH2. Identifiers: MedGen CN295869, MONDO:0024561, OMIM 608161.
Retinitis pigmentosa 7 (RP7). Identifiers: Orphanet 791, MedGen C1842475, MONDO:0011974, OMIM 608133.
Pigmentary retinal dystrophy. Also called: Fundus albipunctatus. Identifiers: Orphanet 227796, Orphanet 52427, MedGen C0311338, MONDO:0007639, OMIM 136880, HP:0030642.
Patterned macular dystrophy 1. Also called: MACULAR DYSTROPHY, BUTTERFLY-SHAPED PIGMENTARY; BUTTERFLY DYSTROPHY OF RETINAL PIGMENT EPITHELIUM. Identifiers: Orphanet 99001, MedGen C4551999, MONDO:0008210, OMIM 169150.
Choroidal dystrophy, central areolar 2 (CACD2). Also called: Choriodal Dystrophy, Central Areolar 2; MACULAR DYSTROPHY, PROGRESSIVE. Identifiers: Orphanet 75377, MedGen C2751290, MONDO:0013137, OMIM 613105.
Optic atrophy. Identifiers: MedGen C0029124, MONDO:0003608, HP:0000648.
PRPH2-related disorder. Also called: PRPH2-related condition; PRPH2-related disorders. Identifiers: MedGen CN239395.
Retinal dystrophy. Also called: Inherited retinal dystrophy. Identifiers: Orphanet 71862, MedGen C0854723, MeSH D058499, MONDO:0019118, HP:0000556.
Stargardt disease (FFM). Also called: Stargardt's disease; Fundus flavimaculatus. Identifiers: Orphanet 827, MedGen C0271093, MONDO:0019353.

Allele frequency attached by ClinVar (database versions not stated): gnomAD 0.00026 and 0.00033; TOPMed 0.00035; ESP Exome Variant Server 0.00054; gnomAD exomes 0.00062 and 0.00088; 1000 Genomes Project 30x 0.00078; 1000 Genomes Project 0.00080; ExAC 0.00104.
gnomAD v4.1: 958 of 1,614,204 alleles (0.059%); highest among the groups gnomAD compares: South Asian, 0.51%; 7 homozygotes.

Submissions (12):

PreventionGenetics, part of Exact Sciences
Classification: Likely benign for PRPH2-related condition. Last evaluated: 2026-02-19. Review status: criteria provided, single submitter. Criteria: ACMG Guidelines, 2015. Collection method: clinical testing. Allele origin: germline.
Comment: This variant is classified as likely benign based on ACMG/AMP sequence variant interpretation guidelines (Richards et al. 2015 PMID: 25741868, with internal and published modifications).

Labcorp Genetics (formerly Invitae), Labcorp
Classification: Likely benign for PRPH2-related disorder. Last evaluated: 2026-01-06. Review status: criteria provided, single submitter. Criteria: Invitae Variant Classification Sherloc (09022015). Collection method: clinical testing. Allele origin: germline.

Revvity Omics, Revvity
Classification: Uncertain significance. Last evaluated: 2025-03-05. Review status: criteria provided, single submitter. Criteria: ACMG Guidelines, 2015. Collection method: clinical testing. Allele origin: germline.

Blueprint Genetics
Classification: Likely benign. Last evaluated: 2024-11-07. Review status: criteria provided, single submitter. Criteria: ACMG Guidelines, 2015. Collection method: clinical testing. Allele origin: germline.

Dept Of Ophthalmology, Nagoya University
Classification: Benign for Retinal dystrophy. Last evaluated: 2023-10-01. Review status: criteria provided, single submitter. Criteria: Submitter's publication. Collection method: research. Allele origin: germline. Affected: yes.

Institute of Human Genetics, Univ. Regensburg, Univ. Regensburg
Classification: Uncertain significance for Optic atrophy. Last evaluated: 2023-01-01. Review status: criteria provided, single submitter. Criteria: ACMG Guidelines, 2015. Collection method: clinical testing. Allele origin: germline. Affected: yes.

Institute of Human Genetics, Univ. Regensburg, Univ. Regensburg
Classification: Uncertain significance for Retinal dystrophy. Last evaluated: 2023-01-01. Review status: criteria provided, single submitter. Criteria: ACMG Guidelines, 2015. Collection method: clinical testing. Allele origin: germline. Affected: yes.

Department of Pathology and Laboratory Medicine, Sinai Health System
Classification: Likely benign for Pigmentary retinal dystrophy; Patterned macular dystrophy 1; Retinitis pigmentosa 7; Vitelliform macular dystrophy 3; Choroidal dystrophy, central areolar 2. Last evaluated: 2021-11-10. Review status: criteria provided, single submitter. Criteria: ACMG Guidelines, 2015. Collection method: research. Allele origin: germline.

NEI Ophthalmic Genomics Laboratory, National Institutes of Health
Classification: Uncertain significance for Stargardt disease. Last evaluated: 2020-01-07. Review status: criteria provided, single submitter. Criteria: ACMG Guidelines, 2015. Collection method: clinical testing. Allele origin: germline. Affected: yes.
Comment: The variant NM_000322.4:c.94A>G in the PRPH2 gene has been previously studied(Kajiwara (1994) Invest Ophthalmol Vis Sci 35 1717A and PMID 18161617). We found this variant in 2 patient(s) in a PRPH2 cohort study (Reeves et al. 2020). This variant is listed in dbSNP and/or HGMD (rs61755767,CM951113). It is present in gnomAD browser (AF 0.0008937). It is not enriched in the PRPH2 disease cohort. We invoked ACMG criteria [PM2, BP4] and classified NM_000322.4:c.94A>G in the PRPH2 gene as a Variant of Uncertain Significance.

Leiden Open Variation Database
Classification: Likely benign. Last evaluated: 2021-04-06. Review status: no assertion criteria provided. Collection method: curation. Allele origin: germline. Affected: yes. Not counted in ClinVar's aggregate classification.
Comment: Curator: Global Variome, with Curator vacancy. Submitters to LOVD: Manon Peeters, Yoshito Koyanagi.

Retina International
No classification provided. Review status: no classification provided. Collection method: not provided. Allele origin: not provided. Not counted in ClinVar's aggregate classification.

Institute of Medical Molecular Genetics, University of Zurich
Classification: Likely pathogenic for Vitelliform macular dystrophy 3. Last evaluated: 2021-01-30. Review status: flagged submission. Criteria: ACMG Guidelines, 2015. Collection method: clinical testing. Allele origin: germline. Affected: yes. Not counted in ClinVar's aggregate classification.
ClinVar note: Reason: Outlier claim with insufficient supporting evidence

Literature cited by the submitters: PubMed 18161617 (cited by Institute of Human Genetics, Univ. Regensburg, Univ. Regensburg and Leiden Open Variation Database); PubMed 32531846 (cited by Institute of Human Genetics, Univ. Regensburg, Univ. Regensburg and Leiden Open Variation Database); PubMed 34426522 (cited by Institute of Human Genetics, Univ. Regensburg, Univ. Regensburg); PubMed 34411390 (cited by Institute of Human Genetics, Univ. Regensburg, Univ. Regensburg); PubMed 36819107 (cited by Institute of Human Genetics, Univ. Regensburg, Univ. Regensburg); PubMed 31213501 (cited by Leiden Open Variation Database); PubMed 31618092 (cited by Leiden Open Variation Database); PubMed 32717343 (cited by Leiden Open Variation Database).

NM_000322.5(PRPH2):c.94A>G (p.Ile32Val)

Gene: PRPH2 (peripherin 2; minus strand). Cytogenetic location: 6p21.1.
Variant type: single nucleotide variant.
Coding change: c.94A>G on transcript NM_000322.5 (MANE Select); coding-DNA position 94, A replaced by G.
Protein change: p.Ile32Val; replaces isoleucine 32 with valine.
Molecular consequence: missense variant.
Genome position (GRCh38, 1-based): chr6:42,722,241, T>C on the plus strand (A>G on the coding strand, the complement: PRPH2 is on the minus strand). VCF-style: chr6-42722241-T-C. GRCh37 (hg19) VCF-style: chr6-42689979-T-C.
Other names: short protein forms I32V.
Identifiers: ClinVar variation 98722 (VCV000098722.19), dbSNP rs61755767, ClinGen allele CA226333.